The following is an entry in ClinVar:

ClinVar aggregate classification (germline): Benign/Likely benign. Review status: criteria provided, multiple submitters, no conflicts (2 of 4 stars). 4 submissions from 4 submitters: Benign (1); Likely benign (3). Last evaluated 2025-03-25.

Conditions:
Hereditary cancer-predisposing syndrome. Also called: Hereditary neoplastic syndrome; Neoplastic Syndromes, Hereditary; Tumor predisposition; Hereditary Cancer Syndrome. Identifiers: Orphanet 140162, MedGen C0027672, MeSH D009386, MONDO:0015356.
Peutz-Jeghers syndrome (PJS). Also called: Peutz-Jeghers polyposis; Periorificial lentiginosis syndrome; POLYPOSIS, HAMARTOMATOUS INTESTINAL; POLYPS-AND-SPOTS SYNDROME. Identifiers: Orphanet 2869, MedGen C0031269, MeSH D010580, MONDO:0008280, OMIM 175200.

gnomAD v4.1: 1 of 1,613,626 alleles (0.000062%); highest among the groups gnomAD compares: Non-Finnish European, 0.000085%; no homozygotes.

Submissions (4):

Myriad Genetics, Inc.
Classification: Benign for Peutz-Jeghers syndrome. Last evaluated: 2025-03-25. Review status: criteria provided, single submitter. Criteria: Myriad Autosomal Dominant, Autosomal Recessive and X-Linked Classification Criteria (2023). Collection method: clinical testing. Allele origin: unknown.
Comment: This variant is considered benign. This variant is a silent/synonymous amino acid change and it is not expected to impact splicing.

Labcorp Genetics (formerly Invitae), Labcorp
Classification: Likely benign for Peutz-Jeghers syndrome. Last evaluated: 2024-09-24. Review status: criteria provided, single submitter. Criteria: Invitae Variant Classification Sherloc (09022015). Collection method: clinical testing. Allele origin: germline.

Ambry Genetics
Classification: Likely benign for Hereditary cancer-predisposing syndrome. Last evaluated: 2024-08-02. Review status: criteria provided, single submitter. Criteria: Ambry Variant Classification Scheme 2023. Collection method: clinical testing. Allele origin: germline.

Color Diagnostics, LLC DBA Color Health
Classification: Likely benign for Hereditary cancer-predisposing syndrome. Last evaluated: 2024-02-18. Review status: criteria provided, single submitter. Criteria: ACMG Guidelines, 2015. Collection method: clinical testing. Allele origin: germline.

NM_000455.5(STK11):c.306G>T (p.Leu102=)

Gene: STK11 (serine/threonine kinase 11; plus strand). Cytogenetic location: 19p13.3.
Variant type: single nucleotide variant.
Coding change: c.306G>T on transcript NM_000455.5 (MANE Select); coding-DNA position 306, G replaced by T.
Protein change: p.Leu102=; no amino-acid change (leucine 102 retained).
Molecular consequence: synonymous variant.
Genome position (GRCh38, 1-based): chr19:1,218,432, G>T. VCF-style: chr19-1218432-G-T. GRCh37 (hg19) VCF-style: chr19-1218431-G-T.
Identifiers: ClinVar variation 741885 (VCV000741885.13), dbSNP rs370130178, ClinGen allele CA504706531.
Genomic context (GRCh38, chr19:1,218,432, plus strand): 5'-CCTGACGTTGGGTCGGCTGATACACCCCTGTCCTCTCTGTCCCAGGGAAATTCAACTACT[G>T]AGGAGGTTACGGCACAAAAATGTCATCCAGCTGGTGGATGTGTTATACAACGAAGAGAAG-3'
Protein context (NP_000446.1, residues 92-112): EANVKKEIQL[Leu102=]RRLRHKNVIQ